The following is an entry in ClinVar:

NM_000168.6(GLI3):c.508G>C (p.Asp170His)

Gene: GLI3 (GLI family zinc finger 3; minus strand). Cytogenetic location: 7p14.1.
Variant type: single nucleotide variant.
Coding change: c.508G>C on transcript NM_000168.6 (MANE Select); coding-DNA position 508, G replaced by C.
Protein change: p.Asp170His; replaces aspartic acid 170 with histidine.
Molecular consequence: missense variant.
Genome position (GRCh38, 1-based): chr7:42,048,662, C>G on the plus strand (G>C on the coding strand, the complement: GLI3 is on the minus strand). VCF-style: chr7-42048662-C-G. GRCh37 (hg19) VCF-style: chr7-42088261-C-G.
Other names: short protein forms D170H.
Identifiers: ClinVar variation 3066087 (VCV003066087.1), dbSNP rs570058828, ClinGen allele CA367333540.

ClinVar aggregate classification (germline): Uncertain significance (1 of 4 stars; one submission).

Conditions:
Greig cephalopolysyndactyly syndrome (GCPS). Also called: Greig syndrome; GLI3-Related Greig Cephalopolysyndactyly Syndrome; POLYSYNDACTYLY WITH PECULIAR SKULL SHAPE. Identifiers: Orphanet 380, MedGen C0265306, MONDO:0008287, OMIM 175700.

Submission:

MVZ Medizinische Genetik Mainz
Classification: Uncertain significance for Greig cephalopolysyndactyly syndrome. Last evaluated: 2023-07-14. Review status: criteria provided, single submitter. Criteria: UK Practice Guidelines For Variant Classification V4 01 2020. Collection method: clinical testing. Allele origin: germline. Inheritance: Autosomal dominant inheritance. Affected: yes. Observed: 1 variant allele.
Comment: ACMG Criteria: PM2_SUP, PP3 (ACMG Version 3)